The following is an entry in ClinVar:

NM_002335.4(LRP5):c.2779G>C (p.Gly927Arg)

Gene: LRP5 (LDL receptor related protein 5; plus strand). Cytogenetic location: 11q13.2.
Variant type: single nucleotide variant.
Coding change: c.2779G>C on transcript NM_002335.4 (MANE Select); coding-DNA position 2779, G replaced by C.
Protein change: p.Gly927Arg; replaces glycine 927 with arginine.
Molecular consequence: missense variant.
Genome position (GRCh38, 1-based): chr11:68,413,964, G>C. VCF-style: chr11-68413964-G-C. GRCh37 (hg19) VCF-style: chr11-68181432-G-C.
Other names: c.1036G>C, p.Gly346Arg (NM_001291902.2); short protein forms G927R, G346R.
Identifiers: ClinVar variation 1503299 (VCV001503299.7), dbSNP rs764138752, ClinGen allele CA381618931.

ClinVar aggregate classification (germline): Uncertain significance. Review status: criteria provided, multiple submitters, no conflicts (2 of 4 stars). 2 submissions from 2 submitters: Uncertain significance (2). Last evaluated 2024-03-28.

Conditions:
Autosomal dominant osteopetrosis 1 (OPTA1). Also called: OSTEOPETROSIS, AUTOSOMAL DOMINANT, TYPE I. Identifiers: Orphanet 2783, MedGen C1843330, MONDO:0011877, OMIM 607634.
Polycystic liver disease 4 with or without kidney cysts. Identifiers: MedGen C4693479, MONDO:0044327, OMIM 617875.
Exudative vitreoretinopathy 4 (EVR4). Identifiers: Orphanet 891, MedGen C1866176, MONDO:0011151, OMIM 601813.
Osteoporosis with pseudoglioma (OPPG). Also called: osteoporosis-pseudoglioma syndrome. Identifiers: Orphanet 2788, MedGen C0432252, MONDO:0009820, OMIM 259770.
Bone mineral density quantitative trait locus 1 (BMND1). Identifiers: MedGen C1866079, OMIM 601884.
Worth disease. Also called: Autosomal dominant osteosclerosis, Worth type; ENDOSTEAL HYPEROSTOSIS, AUTOSOMAL DOMINANT; OSTEOSCLEROSIS, AUTOSOMAL DOMINANT. Identifiers: Orphanet 2790, MedGen C0432273, MONDO:0007764, OMIM 144750.

gnomAD v4.1: 2 of 1,607,382 alleles (0.00012%); highest among the groups gnomAD compares: African/African-American, 0.0027%; no homozygotes.

Submissions (2):

Fulgent Genetics
Classification: Uncertain significance for Worth disease; Osteoporosis with pseudoglioma; Exudative vitreoretinopathy 4; Bone mineral density quantitative trait locus 1; Autosomal dominant osteopetrosis 1; Polycystic liver disease 4 with or without kidney cysts. Last evaluated: 2024-03-28. Review status: criteria provided, single submitter. Criteria: ACMG Guidelines, 2015. Collection method: clinical testing. Allele origin: germline.

Labcorp Genetics (formerly Invitae), Labcorp
Classification: Uncertain significance. Last evaluated: 2021-11-12. Review status: criteria provided, single submitter. Criteria: Invitae Variant Classification Sherloc (09022015). Collection method: clinical testing. Allele origin: germline.
Comment: Advanced modeling of protein sequence and biophysical properties (such as structural, functional, and spatial information, amino acid conservation, physicochemical variation, residue mobility, and thermodynamic stability) performed at Invitae indicates that this missense variant is not expected to disrupt LRP5 protein function. This variant has not been reported in the literature in individuals affected with LRP5-related conditions. This variant is present in population databases (no rsID available, gnomAD 0.007%). This sequence change replaces glycine, which is neutral and non-polar, with arginine, which is basic and polar, at codon 927 of the LRP5 protein (p.Gly927Arg). In summary, the available evidence is currently insufficient to determine the role of this variant in disease. Therefore, it has been classified as a Variant of Uncertain Significance.